The following is an entry in ClinVar:

NM_000479.5(AMH):c.209del (p.Leu70fs)

Gene: AMH (anti-Mullerian hormone; plus strand). Cytogenetic location: 19p13.3.
Variant type: Deletion.
Coding change: c.209del on transcript NM_000479.5 (MANE Select); coding-DNA position 209, one base deleted (T; older notation c.209delT).
Protein change: p.Leu70fs; shifts the reading frame from leucine 70.
Molecular consequence: frameshift variant.
Genome position (GRCh38, 1-based): chr19:2,249,541, T deleted. VCF-style (leftmost placement, unchanged base first): chr19-2249540-CT-C. GRCh37 (hg19) VCF-style: chr19-2249539-CT-C.
Other names: short protein forms L70fs.
Identifiers: ClinVar variation 3583553 (VCV003583553.2).

ClinVar aggregate classification (germline): Pathogenic. Review status: criteria provided, multiple submitters, no conflicts (2 of 4 stars). 2 submissions from 2 submitters: Pathogenic (2). Last evaluated 2025-05-27.

Conditions:
Persistent Mullerian duct syndrome (PMDS). Also called: PERSISTENT MULLERIAN DUCT SYNDROME, TYPES I AND II; FEMALE GENITAL DUCTS IN OTHERWISE NORMAL MALE; HERNIA UTERI INGUINALE; PERSISTENT OVIDUCT SYNDROME; PSEUDOHERMAPHRODITISM, MALE INTERNAL. Identifiers: Orphanet 2856, MedGen C1849930, MONDO:0009857, OMIM 261550.

Submissions (2):

Laboratorio de Genetica e Diagnostico Molecular, Hospital Israelita Albert Einstein
Classification: Pathogenic for Persistent Mullerian duct syndrome. Last evaluated: 2025-05-27. Review status: criteria provided, single submitter. Criteria: ACMG Guidelines, 2015. Collection method: clinical testing. Allele origin: germline. Affected: yes.
Comment: ACMG classification criteria: PVS1 very strong, PM2 supporting, PM3 supporting

Fulgent Genetics
Classification: Pathogenic for Persistent Mullerian duct syndrome. Last evaluated: 2024-06-12. Review status: criteria provided, single submitter. Criteria: ACMG Guidelines, 2015. Collection method: clinical testing. Allele origin: germline.